The following is an entry in ClinVar:

ClinVar aggregate classification (germline): Uncertain significance (1 of 4 stars; one submission).

Conditions:
Fanconi anemia complementation group O. Also called: RAD51C-Related Fanconi Anemia. Identifiers: Orphanet 84, MedGen C3150653, MONDO:0013248, OMIM 613390.

Submission:

Labcorp Genetics (formerly Invitae), Labcorp
Classification: Uncertain significance for Fanconi anemia complementation group O. Last evaluated: 2024-09-10. Review status: criteria provided, single submitter. Criteria: Invitae Variant Classification Sherloc (09022015). Collection method: clinical testing. Allele origin: germline.
Comment: This variant results in the deletion of part of exon 1 (c.-45_67del) of the RAD51C gene. This variant is not present in population databases (gnomAD no frequency). This variant has not been reported in the literature in individuals affected with RAD51C-related conditions. Experimental studies and prediction algorithms are not available or were not evaluated, and the functional significance of this variant is currently unknown. In summary, the available evidence is currently insufficient to determine the role of this variant in disease. Therefore, it has been classified as a Variant of Uncertain Significance.

NC_000017.11:g.58692599_58692710del

Gene: RAD51C (RAD51 paralog C; plus strand). Cytogenetic location: 17q22.
Variant type: Deletion.
Genome position: GRCh38: chr17:58,692,599-58,692,710. GRCh37 (hg19): chr17:56,769,960-56,770,071.
Identifiers: ClinVar variation 3728643 (VCV003728643.2).